The following is an entry in ClinVar:

NM_000632.4(ITGAM):c.2608A>G (p.Ile870Val)

Gene: ITGAM (integrin subunit alpha M; plus strand). Cytogenetic location: 16p11.2.
Variant type: single nucleotide variant.
Coding change: c.2608A>G on transcript NM_000632.4 (MANE Select); coding-DNA position 2608, A replaced by G.
Protein change: p.Ile870Val; replaces isoleucine 870 with valine.
Molecular consequence: missense variant.
Genome position (GRCh38, 1-based): chr16:31,325,602, A>G. VCF-style: chr16-31325602-A-G. GRCh37 (hg19) VCF-style: chr16-31336923-A-G.
Other names: c.2611A>G, p.Ile871Val (NM_001145808.2); c.2608A>G (NM_000632.3); short protein forms I871V, I870V.
Identifiers: ClinVar variation 1415400 (VCV001415400.7), dbSNP rs374994500, ClinGen allele CA8025875.
Genomic context (GRCh38, chr16:31,325,602, plus strand): 5'-GCCTCCTCCACCGAAGTGTCTGGGGCCTTGAAGAGCACCAGCTGCAGCATAAACCACCCC[A>G]TCTTCCCGGAAAACTCAGAGGTCAGAACTCCTGGCTCCTCCCCTCCTTTTCTCTTTGATT-3'
Protein context (NP_000623.2, residues 860-880): KSTSCSINHP[Ile870Val]FPENSEVTFN

ClinVar aggregate classification (germline): Uncertain significance. Review status: criteria provided, multiple submitters, no conflicts (2 of 4 stars). 2 submissions from 2 submitters: Uncertain significance (2). Last evaluated 2025-06-23.

Allele frequency attached by ClinVar (database versions not stated): gnomAD exomes 0.00001 and 0.00003; ExAC 0.00002; ESP Exome Variant Server 0.00008; gnomAD 0.00008 and 0.00009; TOPMed 0.00008.
gnomAD v4.1: 33 of 1,613,232 alleles (0.002%); highest among the groups gnomAD compares: African/African-American, 0.024%; no homozygotes.

Submissions (2):

Labcorp Genetics (formerly Invitae), Labcorp
Classification: Uncertain significance. Last evaluated: 2025-06-23. Review status: criteria provided, single submitter. Criteria: Invitae Variant Classification Sherloc (09022015). Collection method: clinical testing. Allele origin: germline.
Comment: This sequence change replaces isoleucine, which is neutral and non-polar, with valine, which is neutral and non-polar, at codon 870 of the ITGAM protein (p.Ile870Val). This variant is present in population databases (rs374994500, gnomAD 0.03%). This variant has not been reported in the literature in individuals affected with ITGAM-related conditions. ClinVar contains an entry for this variant (Variation ID: 1415400). An algorithm developed to predict the effect of missense changes on protein structure and function (PolyPhen-2) suggests that this variant is likely to be tolerated. In summary, the available evidence is currently insufficient to determine the role of this variant in disease. Therefore, it has been classified as a Variant of Uncertain Significance.

Ambry Genetics
Classification: Uncertain significance. Last evaluated: 2023-08-28. Review status: criteria provided, single submitter. Criteria: Ambry Variant Classification Scheme 2023. Collection method: clinical testing. Allele origin: germline.